The following is an entry in ClinVar:

NM_001369.3(DNAH5):c.7511T>C (p.Leu2504Pro)

Gene: DNAH5 (dynein axonemal heavy chain 5; minus strand). Cytogenetic location: 5p15.2.
Variant type: single nucleotide variant.
Coding change: c.7511T>C on transcript NM_001369.3 (MANE Select); coding-DNA position 7511, T replaced by C.
Protein change: p.Leu2504Pro; replaces leucine 2504 with proline.
Molecular consequence: missense variant.
Genome position (GRCh38, 1-based): chr5:13,810,157, A>G on the plus strand (T>C on the coding strand, the complement: DNAH5 is on the minus strand). VCF-style: chr5-13810157-A-G. GRCh37 (hg19) VCF-style: chr5-13810266-A-G.
Other names: short protein forms L2504P.
Identifiers: ClinVar variation 944952 (VCV000944952.10), dbSNP rs1344694038, ClinGen allele CA359231956.

ClinVar aggregate classification (germline): Uncertain significance (1 of 4 stars; one submission).

Conditions:
Primary ciliary dyskinesia. Also called: Ciliary dyskinesia. Identifiers: Orphanet 244, MedGen C0008780, MONDO:0016575, HP:0012265.

Allele frequency attached by ClinVar (database versions not stated): gnomAD exomes below 0.00001 and 0.00001.
gnomAD v4.1: 1 of 1,548,526 alleles (0.000065%); no homozygotes.

Submission:

Labcorp Genetics (formerly Invitae), Labcorp
Classification: Uncertain significance for Primary ciliary dyskinesia. Last evaluated: 2019-04-19. Review status: criteria provided, single submitter. Criteria: Invitae Variant Classification Sherloc (09022015). Collection method: clinical testing. Allele origin: germline.
Comment: This sequence change replaces leucine with proline at codon 2504 of the DNAH5 protein (p.Leu2504Pro). The leucine residue is weakly conserved and there is a moderate physicochemical difference between leucine and proline. The frequency data for this variant in the population databases is considered unreliable, as metrics indicate insufficient coverage at this position in the ExAC database. This variant has not been reported in the literature in individuals with DNAH5-related conditions. Algorithms developed to predict the effect of missense changes on protein structure and function (SIFT, PolyPhen-2, Align-GVGD) all suggest that this variant is likely to be disruptive, but these predictions have not been confirmed by published functional studies and their clinical significance is uncertain. In summary, the available evidence is currently insufficient to determine the role of this variant in disease. Therefore, it has been classified as a Variant of Uncertain Significance.